The following is an entry in ClinVar:

ClinVar aggregate classification (germline): Uncertain significance. Review status: criteria provided, multiple submitters, no conflicts (2 of 4 stars). 2 submissions from 2 submitters: Uncertain significance (2). Last evaluated 2026-04-12.

Conditions:
CACNA1F-related disorder. Also called: CACNA1F-related condition.

gnomAD v4.1: 4 of 1,209,581 alleles (0.00033%); highest among the groups gnomAD compares: Middle Eastern, 0.023%; no homozygotes.

Submissions (2):

PreventionGenetics, part of Exact Sciences
Classification: Uncertain significance for CACNA1F-related condition. Last evaluated: 2026-04-12. Review status: criteria provided, single submitter. Criteria: ACMG Guidelines, 2015. Collection method: clinical testing. Allele origin: germline.
Comment: The CACNA1F c.5907C>G variant is predicted to result in the amino acid substitution p.Asp1969Glu. To our knowledge, this variant has not been reported in the literature. This variant is present in 0.0012% of alleles in individuals of European (Non-Finnish) descent in gnomAD. At this time, the clinical significance of this variant is uncertain due to the absence of conclusive functional and genetic evidence.

Labcorp Genetics (formerly Invitae), Labcorp
Classification: Uncertain significance. Last evaluated: 2023-11-27. Review status: criteria provided, single submitter. Criteria: Invitae Variant Classification Sherloc (09022015). Collection method: clinical testing. Allele origin: germline.
Comment: This sequence change replaces aspartic acid, which is acidic and polar, with glutamic acid, which is acidic and polar, at codon 1969 of the CACNA1F protein (p.Asp1969Glu). This variant is present in population databases (no rsID available, gnomAD 0.001%). This variant has not been reported in the literature in individuals affected with CACNA1F-related conditions. ClinVar contains an entry for this variant (Variation ID: 1961526). An algorithm developed to predict the effect of missense changes on protein structure and function (PolyPhen-2) suggests that this variant is likely to be disruptive. In summary, the available evidence is currently insufficient to determine the role of this variant in disease. Therefore, it has been classified as a Variant of Uncertain Significance.

NM_001256789.3(CACNA1F):c.5874C>G (p.Asp1958Glu)

Gene: CACNA1F (calcium voltage-gated channel subunit alpha1 F; minus strand). Cytogenetic location: Xp11.23.
Variant type: single nucleotide variant.
Coding change: c.5874C>G on transcript NM_001256789.3 (MANE Select); coding-DNA position 5874, C replaced by G.
Protein change: p.Asp1958Glu; replaces aspartic acid 1958 with glutamic acid.
Molecular consequence: missense variant.
Genome position (GRCh38, 1-based): chrX:49,205,164, G>C on the plus strand (C>G on the coding strand, the complement: CACNA1F is on the minus strand). VCF-style: chrX-49205164-G-C. GRCh37 (hg19) VCF-style: chrX-49061624-G-C.
Other names: c.5712C>G, p.Asp1904Glu (NM_001256790.3); c.5907C>G, p.Asp1969Glu (NM_005183.4); c.5907C>G (NM_005183.3); short protein forms D1958E, D1969E, D1904E.
Identifiers: ClinVar variation 1961526 (VCV001961526.6), dbSNP rs782497299, ClinGen allele CA412955771.